The following is an entry in ClinVar:

ClinVar aggregate classification (germline): Uncertain significance (1 of 4 stars; one submission).

Submission:

GeneDx
Classification: Uncertain significance. Last evaluated: 2023-06-28. Review status: criteria provided, single submitter. Criteria: GeneDx Variant Classification Process June 2021. Collection method: clinical testing. Allele origin: germline. Affected: yes.
Comment: Not observed at significant frequency in large population cohorts (gnomAD); In silico analysis supports that this missense variant does not alter protein structure/function; Has not been previously published as pathogenic or benign to our knowledge

NM_144672.4(OTOA):c.761G>A (p.Ser254Asn)

Gene: OTOA (otoancorin). Cytogenetic location: 16p12.2.
Variant type: single nucleotide variant.
Coding change: c.761G>A on transcript NM_144672.4 (MANE Select); coding-DNA position 761, G replaced by A.
Protein change: p.Ser254Asn; replaces serine 254 with asparagine.
Molecular consequence: missense variant.
Genome position (GRCh38, 1-based): chr16:21,697,796, G>A. VCF-style: chr16-21697796-G-A. GRCh37 (hg19) VCF-style: chr16-21709117-G-A.
Other names: c.524G>A, p.Ser175Asn (NM_001161683.2); short protein forms S175N, S254N.
Identifiers: ClinVar variation 3360156 (VCV003360156.1).